The following is an entry in ClinVar:

ClinVar aggregate classification (germline): Benign/Likely benign. Review status: criteria provided, multiple submitters, no conflicts (2 of 4 stars). 3 submissions from 3 submitters: Benign (1); Likely benign (2). Last evaluated 2026-06-04.

Conditions:
Hereditary cancer-predisposing syndrome. Also called: Neoplastic Syndromes, Hereditary; Hereditary Cancer Syndrome; Hereditary neoplastic syndrome; Tumor predisposition. Identifiers: Orphanet 140162, MedGen C0027672, MeSH D009386, MONDO:0015356.
Gastrointestinal stromal tumor. Also called: Gastrointestinal stromal tumor, somatic; Gastrointestinal stroma tumor. Identifiers: Orphanet 44890, MedGen C0238198, MeSH D046152, MONDO:0011719, OMIM 606764, HP:0100723.

Allele frequency attached by ClinVar (database versions not stated): gnomAD exomes 0.00001; TOPMed 0.00001; ExAC 0.00002; gnomAD 0.00003.
gnomAD v4.1: 26 of 1,613,714 alleles (0.0016%); highest among the groups gnomAD compares: Non-Finnish European, 0.002%; no homozygotes.

Submissions (3):

Myriad Genetics, Inc.
Classification: Benign for Gastrointestinal stromal tumor. Last evaluated: 2026-06-04. Review status: criteria provided, single submitter. Criteria: Myriad Autosomal Dominant, Autosomal Recessive and X-Linked Classification Criteria (2023). Collection method: clinical testing. Allele origin: unknown.
Comment: This variant is considered benign. This variant is a silent/synonymous amino acid change and it is not expected to impact splicing.

Labcorp Genetics (formerly Invitae), Labcorp
Classification: Likely benign for Gastrointestinal stromal tumor. Last evaluated: 2025-09-21. Review status: criteria provided, single submitter. Criteria: Invitae Variant Classification Sherloc (09022015). Collection method: clinical testing. Allele origin: germline.

Ambry Genetics
Classification: Likely benign for Hereditary cancer-predisposing syndrome. Last evaluated: 2019-03-26. Review status: criteria provided, single submitter. Criteria: Ambry Variant Classification Scheme 2023. Collection method: clinical testing. Allele origin: germline.

NM_000222.3(KIT):c.1959T>C (p.Ile653=)

Gene: KIT (KIT proto-oncogene, receptor tyrosine kinase; plus strand). Cytogenetic location: 4q12.
Variant type: single nucleotide variant.
Coding change: c.1959T>C on transcript NM_000222.3 (MANE Select); coding-DNA position 1959, T replaced by C.
Protein change: p.Ile653=; no amino-acid change (isoleucine 653 retained).
Molecular consequence: synonymous variant.
Genome position (GRCh38, 1-based): chr4:54,728,090, T>C. VCF-style: chr4-54728090-T-C. GRCh37 (hg19) VCF-style: chr4-55594256-T-C.
Other names: c.1947T>C, p.Ile649= (NM_001093772.2, NM_001385286.1); c.1962T>C, p.Ile654= (NM_001385284.1, NM_001385290.1); c.1959T>C, p.Ile653= (NM_001385285.1); c.1950T>C, p.Ile650= (NM_001385288.1, NM_001385292.1).
Identifiers: ClinVar variation 701323 (VCV000701323.16), dbSNP rs752271176, ClinGen allele CA2923616.